The following is an entry in ClinVar:

ClinVar aggregate classification (germline): Uncertain significance. Review status: criteria provided, multiple submitters, no conflicts (2 of 4 stars). 3 submissions from 3 submitters: Uncertain significance (3). Last evaluated 2026-04-16.

Conditions:
RP1-related disorder. Also called: RP1-related condition.

Allele frequency attached by ClinVar (database versions not stated): ExAC 0.00001; gnomAD exomes 0.00001 and 0.00003; gnomAD 0.00020 and 0.00022; TOPMed 0.00049.

Submissions (3):

PreventionGenetics, part of Exact Sciences
Classification: Uncertain significance for RP1-related condition. Last evaluated: 2026-04-16. Review status: criteria provided, single submitter. Criteria: ACMG Guidelines, 2015. Collection method: clinical testing. Allele origin: germline.
Comment: The RP1 c.5732A>G variant is predicted to result in the amino acid substitution p.Tyr1911Cys. To our knowledge, this variant has not been reported in the literature. This variant is present in 0.0056% of alleles in individuals of Latino descent in gnomAD. At this time, the clinical significance of this variant is uncertain due to the absence of conclusive functional and genetic evidence.

Labcorp Genetics (formerly Invitae), Labcorp
Classification: Uncertain significance. Last evaluated: 2025-08-04. Review status: criteria provided, single submitter. Criteria: Invitae Variant Classification Sherloc (09022015). Collection method: clinical testing. Allele origin: germline.
Comment: This sequence change replaces tyrosine, which is neutral and polar, with cysteine, which is neutral and slightly polar, at codon 1911 of the RP1 protein (p.Tyr1911Cys). This variant is present in population databases (rs748816095, gnomAD 0.003%). This variant has not been reported in the literature in individuals affected with RP1-related conditions. ClinVar contains an entry for this variant (Variation ID: 857505). An algorithm developed to predict the effect of missense changes on protein structure and function (PolyPhen-2) suggests that this variant is likely to be disruptive. In summary, the available evidence is currently insufficient to determine the role of this variant in disease. Therefore, it has been classified as a Variant of Uncertain Significance.

Blueprint Genetics
Classification: Uncertain significance. Last evaluated: 2018-10-02. Review status: criteria provided, single submitter. Criteria: ACMG Guidelines, 2015. Collection method: clinical testing. Allele origin: germline.

NM_006269.2(RP1):c.5732A>G (p.Tyr1911Cys)

Genes: RP1 (RP1 axonemal microtubule associated; plus strand), LOC126860392 (CDK7 strongly-dependent group 2 enhancer GRCh37_chr8:55541319-55542518; plus strand). Cytogenetic location: 8q12.1.
Variant type: single nucleotide variant.
Coding change: c.5732A>G on transcript NM_006269.2 (MANE Select); coding-DNA position 5732, A replaced by G.
Protein change: p.Tyr1911Cys; replaces tyrosine 1911 with cysteine.
Molecular consequence: missense variant. On other transcripts: intron variant (1).
Genome position (GRCh38, 1-based): chr8:54,629,614, A>G. VCF-style: chr8-54629614-A-G. GRCh37 (hg19) VCF-style: chr8-55542174-A-G.
Other names: c.787+7326A>G (NM_001375654.1); short protein forms Y1911C.
Identifiers: ClinVar variation 857505 (VCV000857505.10), dbSNP rs748816095, ClinGen allele CA4752117.